The following is an entry in ClinVar:

ClinVar aggregate classification (germline): Uncertain significance (1 of 4 stars; one submission).

Submission:

Greenwood Genetic Center Diagnostic Laboratories, Greenwood Genetic Center
Classification: Uncertain significance. Last evaluated: 2026-06-02. Review status: criteria provided, single submitter. Criteria: ACMG Guidelines, 2015. Collection method: clinical testing. Allele origin: germline.
Comment: Gene of Uncertain Significance

NM_181351.5(NCAM1):c.2025C>G (p.Asp675Glu)

Gene: NCAM1 (neural cell adhesion molecule 1; plus strand). Cytogenetic location: 11q23.2.
Variant type: single nucleotide variant.
Coding change: c.2025C>G on transcript NM_181351.5 (MANE Select); coding-DNA position 2025, C replaced by G.
Protein change: p.Asp675Glu; replaces aspartic acid 675 with glutamic acid.
Molecular consequence: missense variant.
Genome position (GRCh38, 1-based): chr11:113,260,217, C>G. VCF-style: chr11-113260217-C-G. GRCh37 (hg19) VCF-style: chr11-113130939-C-G.
Other names: c.1995C>G, p.Asp665Glu (NM_000615.7, NM_001242608.2); c.2100C>G, p.Asp700Glu (NM_001076682.4, NM_001400616.1); c.2103C>G, p.Asp701Glu (NM_001242607.2); c.2022C>G, p.Asp674Glu (NM_001386289.1, NM_001386290.1, NM_001400624.1); c.1992C>G, p.Asp664Glu (NM_001386291.1, NM_001386292.1, NM_001400610.1 and 2 more transcripts); c.2007C>G, p.Asp669Glu (NM_001400603.1, NM_001400618.1, NM_001400620.1); c.2037C>G, p.Asp679Glu (NM_001400604.1, NM_001400615.1); c.2097C>G, p.Asp699Glu (NM_001400605.1, NM_001400623.1); and 7 more; short protein forms D376E, D411E, D639E, D664E, D665E, D669E, D674E, D675E.
Identifiers: ClinVar variation 4891123 (VCV004891123.1).